The following is an entry in ClinVar:

ClinVar aggregate classification (germline): Uncertain significance (1 of 4 stars; one submission).

Conditions:
Holoprosencephaly 3 (HPE3). Identifiers: Orphanet 2162, MedGen C1840529, MONDO:0007733, OMIM 142945.

Submission:

Labcorp Genetics (formerly Invitae), Labcorp
Classification: Uncertain significance for Holoprosencephaly 3. Last evaluated: 2025-11-03. Review status: criteria provided, single submitter. Criteria: Invitae Variant Classification Sherloc (09022015). Collection method: clinical testing. Allele origin: germline.
Comment: This sequence change replaces arginine, which is basic and polar, with glycine, which is neutral and non-polar, at codon 144 of the SHH protein (p.Arg144Gly). This variant is not present in population databases (gnomAD no frequency). This variant has not been reported in the literature in individuals affected with SHH-related conditions. Invitae Evidence Modeling of protein sequence and biophysical properties (such as structural, functional, and spatial information, amino acid conservation, physicochemical variation, residue mobility, and thermodynamic stability) indicates that this missense variant is expected to disrupt SHH protein function with a positive predictive value of 80%. This variant disrupts the p.Arg144 amino acid residue in SHH. Other variant(s) that disrupt this residue have been observed in individuals with SHH-related conditions (PMID: 19603532, 22791840), which suggests that this may be a clinically significant amino acid residue. In summary, the available evidence is currently insufficient to determine the role of this variant in disease. Therefore, it has been classified as a Variant of Uncertain Significance.

Literature cited by the submitters: PubMed 19603532; PubMed 22791840.

NM_000193.4(SHH):c.430C>G (p.Arg144Gly)

Gene: SHH (sonic hedgehog signaling molecule; minus strand). Cytogenetic location: 7q36.3.
Variant type: single nucleotide variant.
Coding change: c.430C>G on transcript NM_000193.4 (MANE Select); coding-DNA position 430, C replaced by G.
Protein change: p.Arg144Gly; replaces arginine 144 with glycine.
Molecular consequence: missense variant. On other transcripts: non-coding transcript variant (2).
Genome position (GRCh38, 1-based): chr7:155,806,428, G>C on the plus strand (C>G on the coding strand, the complement: SHH is on the minus strand). VCF-style: chr7-155806428-G-C. GRCh37 (hg19) VCF-style: chr7-155599122-G-C.
Other names: c.169C>G, p.Arg57Gly (NM_001310462.2); short protein forms R144G, R57G.
Identifiers: ClinVar variation 4744473 (VCV004744473.1).
Genomic context (GRCh38, chr7:155,806,428, plus strand): 5'-GGCGGGCCAGCATGCCGTACTTGCTGCGGTCGCGGTCAGACGTGGTGATGTCCACTGCGC[G>C]GCCCTCGTAGTGCAGAGACTCCTCTGAGTGGTGGCCATCTTCGTCCCAGCCCTCGGTCAC-3'
Protein context (NP_000184.1, residues 134-154): HSEESLHYEG[Arg144Gly]AVDITTSDRD